The following is an entry in ClinVar:

NM_133642.5(LARGE1):c.283C>T (p.Arg95Ter)

Gene: LARGE1 (LARGE xylosyl- and glucuronyltransferase 1; minus strand). Cytogenetic location: 22q12.3.
Variant type: single nucleotide variant.
Coding change: c.283C>T on transcript NM_133642.5 (MANE Select); coding-DNA position 283, C replaced by T.
Protein change: p.Arg95Ter; replaces arginine 95 with a stop codon.
Molecular consequence: nonsense.
Genome position (GRCh38, 1-based): chr22:33,650,492, G>A on the plus strand (C>T on the coding strand, the complement: LARGE1 is on the minus strand). VCF-style: chr22-33650492-G-A. GRCh37 (hg19) VCF-style: chr22-34046478-G-A.
Other names: c.283C>T, p.Arg95Ter (NM_001362949.2, NM_001362951.2, NM_001362953.2 and 7 more transcripts); short protein forms R95*.
Identifiers: ClinVar variation 495057 (VCV000495057.5), dbSNP rs761071115, ClinGen allele CA10203097.

ClinVar aggregate classification (germline): Pathogenic. Review status: criteria provided, multiple submitters, no conflicts (2 of 4 stars). 2 submissions from 2 submitters: Pathogenic (2). Last evaluated 2024-06-18.

Conditions:
Muscular dystrophy-dystroglycanopathy type B6 (MDDGB6). Also called: MUSCULAR DYSTROPHY-DYSTROGLYCANOPATHY (CONGENITAL WITH IMPAIRED INTELLECTUAL DEVELOPMENT), TYPE B, 6; MUSCULAR DYSTROPHY, CONGENITAL, LARGE-RELATED; MUSCULAR DYSTROPHY, CONGENITAL, TYPE 1D. Identifiers: MedGen C1837229, MONDO:0012138, OMIM 608840.
Muscular dystrophy-dystroglycanopathy (congenital with brain and eye anomalies), type A6. Also called: WALKER-WARBURG SYNDROME OR MUSCLE-EYE-BRAIN DISEASE, LARGE-RELATED; MUSCULAR DYSTROPHY-DYSTROGLYCANOPATHY (CONGENITAL WITH BRAIN AND EYE ANOMALIES), TYPE A, 6. Identifiers: Orphanet 588, Orphanet 899, MedGen C3150414, MONDO:0013158, OMIM 613154.

Allele frequency attached by ClinVar (database versions not stated): TOPMed below 0.00001.
gnomAD v4.1: 3 of 1,613,618 alleles (0.00019%); highest among the groups gnomAD compares: Non-Finnish European, 0.00025%; no homozygotes.

Submissions (2):

Labcorp Genetics (formerly Invitae), Labcorp
Classification: Pathogenic for Muscular dystrophy-dystroglycanopathy type B6. Last evaluated: 2024-06-18. Review status: criteria provided, single submitter. Criteria: Invitae Variant Classification Sherloc (09022015). Collection method: clinical testing. Allele origin: germline.
Comment: This sequence change creates a premature translational stop signal (p.Arg95*) in the LARGE1 gene. It is expected to result in an absent or disrupted protein product. Loss-of-function variants in LARGE1 are known to be pathogenic (PMID: 12966029, 17878207). This variant is present in population databases (rs761071115, gnomAD 0.0009%). This variant has not been reported in the literature in individuals affected with LARGE1-related conditions. ClinVar contains an entry for this variant (Variation ID: 495057). For these reasons, this variant has been classified as Pathogenic.

Center of Genomic medicine, Geneva, University Hospital of Geneva
Classification: Pathogenic for Muscular dystrophy-dystroglycanopathy (congenital with brain and eye anomalies), type A6. Last evaluated: 2017-08-07. Review status: criteria provided, single submitter. Criteria: ACMG Guidelines, 2015. Collection method: clinical testing. Allele origin: inherited. Affected: yes.
Comment: This homozygous non-sense variant in the LARGE1 gene was identified in two consecutive fetuses with hydrocephaly.

Literature cited by the submitters: PubMed 12966029 (cited by Labcorp Genetics (formerly Invitae), Labcorp); PubMed 17878207 (cited by Labcorp Genetics (formerly Invitae), Labcorp).